The following is an entry in ClinVar:

NM_000321.3(RB1):c.1633_1640del (p.Glu545fs)

Gene: RB1 (RB transcriptional corepressor 1; plus strand). Cytogenetic location: 13q14.2.
Variant type: Deletion.
Coding change: c.1633_1640del on transcript NM_000321.3 (MANE Select); coding-DNA positions 1633 to 1640, 8 bases deleted (GAAATGAT; older notation c.1633_1640delGAAATGAT).
Protein change: p.Glu545fs; shifts the reading frame from glutamic acid 545.
Molecular consequence: frameshift variant.
Genome position (GRCh38, 1-based): chr13:48,381,381-48,381,388, GAAATGAT deleted. VCF-style (leftmost placement, unchanged base first): chr13-48381380-AGAAATGAT-A. GRCh37 (hg19) VCF-style: chr13-48955516-AGAAATGAT-A.
Other names: c.1633_1640delGAAATGAT (NM_000321.2); short protein forms E545fs.
Identifiers: ClinVar variation 527913 (VCV000527913.6), dbSNP rs1555286695, ClinGen allele CA658798146.

ClinVar aggregate classification (germline): Pathogenic (1 of 4 stars; one submission).

Conditions:
Retinoblastoma (RB1). Also called: RETINOBLASTOMA, SOMATIC. Identifiers: Orphanet 790, MedGen C0035335, MeSH D012175, MONDO:0008380, OMIM 180200, HP:0009919. Disease mechanism: loss of function. Inheritance: Both sporadic and heritable forms are tested..

Submission:

Labcorp Genetics (formerly Invitae), Labcorp
Classification: Pathogenic for Retinoblastoma. Last evaluated: 2017-12-28. Review status: criteria provided, single submitter. Criteria: Invitae Variant Classification Sherloc (09022015). Collection method: clinical testing. Allele origin: germline.
Comment: For these reasons, this variant has been classified as Pathogenic. Loss-of-function variants in RB1 are known to be pathogenic (PMID: 17096365). This variant has not been reported in the literature in individuals with RB1-related disease. This variant is not present in population databases (ExAC no frequency). This sequence change creates a premature translational stop signal (p.Glu545Lysfs*7) in the RB1 gene. It is expected to result in an absent or disrupted protein product.

Literature cited by the submitters: PubMed 17096365.